The following is an entry in ClinVar:

NM_001367624.2(ZNF469):c.11070C>T (p.Ser3690=)

Gene: ZNF469 (zinc finger protein 469; plus strand). Cytogenetic location: 16q24.2.
Variant type: single nucleotide variant.
Coding change: c.11070C>T on transcript NM_001367624.2 (MANE Select); coding-DNA position 11070, C replaced by T.
Protein change: p.Ser3690=; no amino-acid change (serine 3690 retained).
Molecular consequence: synonymous variant.
Genome position (GRCh38, 1-based): chr16:88,438,540, C>T. VCF-style: chr16-88438540-C-T. GRCh37 (hg19) VCF-style: chr16-88504948-C-T.
Identifiers: ClinVar variation 515210 (VCV000515210.3), dbSNP rs1272116933, ClinGen allele CA497359661.

ClinVar aggregate classification (germline): Likely benign. Review status: criteria provided, multiple submitters, no conflicts (2 of 4 stars). 2 submissions from 2 submitters: Likely benign (2). Last evaluated 2024-03-04.

Allele frequency attached by ClinVar (database versions not stated): gnomAD exomes below 0.00001 and 0.00001.
gnomAD v4.1: 2 of 1,550,152 alleles (0.00013%); highest among the groups gnomAD compares: Non-Finnish European, 0.00017%; no homozygotes.

Submissions (2):

Labcorp Genetics (formerly Invitae), Labcorp
Classification: Likely benign. Last evaluated: 2024-03-04. Review status: criteria provided, single submitter. Criteria: Invitae Variant Classification Sherloc (09022015). Collection method: clinical testing. Allele origin: germline.

GeneDx
Classification: Likely benign. Last evaluated: 2018-02-07. Review status: criteria provided, single submitter. Criteria: GeneDx Variant Classification (06012015). Collection method: clinical testing. Allele origin: germline. Affected: yes.
Comment: This variant is considered likely benign or benign based on one or more of the following criteria: it is a conservative change, it occurs at a poorly conserved position in the protein, it is predicted to be benign by multiple in silico algorithms, and/or has population frequency not consistent with disease.